The following is an entry in ClinVar:

NM_001267550.2(TTN):c.86255C>A (p.Pro28752His)

Genes: TTN (titin; minus strand), TTN-AS1 (TTN antisense RNA 1; plus strand). Cytogenetic location: 2q31.2.
Variant type: single nucleotide variant.
Coding change: c.86255C>A on transcript NM_001267550.2 (MANE Select); coding-DNA position 86255, C replaced by A.
Protein change: p.Pro28752His; replaces proline 28752 with histidine.
Molecular consequence: missense variant.
Genome position (GRCh38, 1-based): chr2:178,559,877, G>T on the plus strand (C>A on the coding strand, the complement: TTN is on the minus strand). VCF-style: chr2-178559877-G-T. GRCh37 (hg19) VCF-style: chr2-179424604-G-T.
Other names: c.81332C>A, p.Pro27111His (NM_001256850.1); c.59060C>A, p.Pro19687His (NM_003319.4); c.78551C>A, p.Pro26184His (NM_133378.4); c.59435C>A, p.Pro19812His (NM_133432.3); c.59636C>A, p.Pro19879His (NM_133437.4); short protein forms P19687H, P19812H, P28752H, P19879H, P26184H, P27111H.
Identifiers: ClinVar variation 4985075 (VCV004985075.1).

ClinVar aggregate classification (germline): Uncertain significance (1 of 4 stars; one submission).

Conditions:
TTN-related disorder. Also called: TTN-related disorders; TTN-related condition; TTN-related disease.

gnomAD v4.1: 1 of 1,612,576 alleles (0.000062%); highest among the groups gnomAD compares: African/African-American, 0.0013%; no homozygotes.

Submission:

PreventionGenetics, part of Exact Sciences
Classification: Uncertain significance for TTN-related condition. Last evaluated: 2025-02-21. Review status: criteria provided, single submitter. Criteria: ACMG Guidelines, 2015. Collection method: clinical testing. Allele origin: germline.
Comment: The TTN c.86255C>A variant is predicted to result in the amino acid substitution p.Pro28752His. To our knowledge, this variant has not been reported in the literature or in a large population database (gnomAD), indicating this variant is rare. At this time, the clinical significance of this variant is uncertain due to the absence of conclusive functional and genetic evidence.